The following is an entry in ClinVar:

ClinVar aggregate classification (germline): Uncertain significance (1 of 4 stars; one submission).

Conditions:
Bardet-Biedl syndrome (BBS). Identifiers: Orphanet 110, MedGen C0752166, MONDO:0015229.

Allele frequency attached by ClinVar (database versions not stated): gnomAD exomes below 0.00001.
gnomAD v4.1: 3 of 1,612,170 alleles (0.00019%); highest among the groups gnomAD compares: Admixed American, 0.0017%; no homozygotes.

Submission:

Labcorp Genetics (formerly Invitae), Labcorp
Classification: Uncertain significance for Bardet-Biedl syndrome. Last evaluated: 2023-12-11. Review status: criteria provided, single submitter. Criteria: Invitae Variant Classification Sherloc (09022015). Collection method: clinical testing. Allele origin: germline.
Comment: This sequence change replaces threonine, which is neutral and polar, with asparagine, which is neutral and polar, at codon 283 of the TTC8 protein (p.Thr283Asn). This variant is present in population databases (no rsID available, gnomAD 0.003%). This variant has not been reported in the literature in individuals affected with TTC8-related conditions. ClinVar contains an entry for this variant (Variation ID: 1411083). Advanced modeling of protein sequence and biophysical properties (such as structural, functional, and spatial information, amino acid conservation, physicochemical variation, residue mobility, and thermodynamic stability) performed at Invitae indicates that this missense variant is not expected to disrupt TTC8 protein function with a negative predictive value of 80%. In summary, the available evidence is currently insufficient to determine the role of this variant in disease. Therefore, it has been classified as a Variant of Uncertain Significance.

NM_144596.4(TTC8):c.878C>A (p.Thr293Asn)

Gene: TTC8 (tetratricopeptide repeat domain 8; plus strand). Cytogenetic location: 14q31.3.
Variant type: single nucleotide variant.
Coding change: c.878C>A on transcript NM_144596.4 (MANE Select); coding-DNA position 878, C replaced by A.
Protein change: p.Thr293Asn; replaces threonine 293 with asparagine.
Molecular consequence: missense variant. On other transcripts: non-coding transcript variant (1).
Genome position (GRCh38, 1-based): chr14:88,861,301, C>A. VCF-style: chr14-88861301-C-A. GRCh37 (hg19) VCF-style: chr14-89327645-C-A.
Other names: c.926C>A, p.Thr309Asn (NM_001288781.1); c.284C>A, p.Thr95Asn (NM_001288782.1); c.161C>A, p.Thr54Asn (NM_001288783.1); c.848C>A, p.Thr283Asn (NM_001366535.2, NM_198309.3); c.758C>A, p.Thr253Asn (NM_001366536.2, NM_198310.3); short protein forms T283N, T309N, T54N, T95N, T253N, T293N.
Identifiers: ClinVar variation 1411083 (VCV001411083.6), dbSNP rs1028407834, ClinGen allele CA264568964.
Genomic context (GRCh38, chr14:88,861,301, plus strand): 5'-AACCTGTGACTGCTTTAAATCTTTTCAAACAAGGCTTAGATAAGTTTCCAGGAGAAGTAA[C>A]CCTGCTCTGTGGAATTGCAAGAATCTATGAGGTAATTCATGTTATTATTATTATTATTTA-3'
Protein context (NP_653197.2, residues 283-303): QGLDKFPGEV[Thr293Asn]LLCGIARIYE